The following is an entry in ClinVar:

NM_001297.5(CNGB1):c.987G>A (p.Val329=)

Gene: CNGB1 (cyclic nucleotide gated channel subunit beta 1; minus strand). Cytogenetic location: 16q21.
Variant type: single nucleotide variant.
Coding change: c.987G>A on transcript NM_001297.5 (MANE Select); coding-DNA position 987, G replaced by A.
Protein change: p.Val329=; no amino-acid change (valine 329 retained).
Molecular consequence: synonymous variant.
Genome position (GRCh38, 1-based): chr16:57,950,428, C>T on the plus strand (G>A on the coding strand, the complement: CNGB1 is on the minus strand). VCF-style: chr16-57950428-C-T. GRCh37 (hg19) VCF-style: chr16-57984332-C-T.
Other names: c.969G>A, p.Val323= (NM_001286130.2).
Identifiers: ClinVar variation 2026033 (VCV002026033.4), dbSNP rs2544665519, ClinGen allele CA495649953.

ClinVar aggregate classification (germline): Uncertain significance (1 of 4 stars; one submission).

Submission:

Labcorp Genetics (formerly Invitae), Labcorp
Classification: Uncertain significance. Last evaluated: 2022-08-22. Review status: criteria provided, single submitter. Criteria: Invitae Variant Classification Sherloc (09022015). Collection method: clinical testing. Allele origin: germline.
Comment: In summary, the available evidence is currently insufficient to determine the role of this variant in disease. Therefore, it has been classified as a Variant of Uncertain Significance. Algorithms developed to predict the effect of sequence changes on RNA splicing suggest that this variant may disrupt the consensus splice site. This variant has not been reported in the literature in individuals affected with CNGB1-related conditions. This variant is not present in population databases (gnomAD no frequency). This sequence change affects codon 329 of the CNGB1 mRNA. It is a 'silent' change, meaning that it does not change the encoded amino acid sequence of the CNGB1 protein.